The following is an entry in ClinVar:

NM_001009944.3(PKD1):c.12056T>A (p.Leu4019Ter)

Gene: PKD1 (polycystin 1, transient receptor potential channel interacting; minus strand). Cytogenetic location: 16p13.3.
Variant type: single nucleotide variant.
Coding change: c.12056T>A on transcript NM_001009944.3 (MANE Select); coding-DNA position 12056, T replaced by A.
Protein change: p.Leu4019Ter; replaces leucine 4019 with a stop codon.
Molecular consequence: nonsense.
Genome position (GRCh38, 1-based): chr16:2,090,756, A>T on the plus strand (T>A on the coding strand, the complement: PKD1 is on the minus strand). VCF-style: chr16-2090756-A-T. GRCh37 (hg19) VCF-style: chr16-2140757-A-T.
Other names: c.12053T>A, p.Leu4018Ter (NM_000296.4); short protein forms L4019*, L4018*.
Identifiers: ClinVar variation 4983249 (VCV004983249.1).

ClinVar aggregate classification (germline): Pathogenic (1 of 4 stars; one submission).

Conditions:
PKD1-related disorder. Also called: PKD1-related condition.

Submission:

PreventionGenetics, part of Exact Sciences
Classification: Pathogenic for PKD1-related condition. Last evaluated: 2024-10-17. Review status: criteria provided, single submitter. Criteria: ACMG Guidelines, 2015. Collection method: clinical testing. Allele origin: germline.
Comment: The PKD1 c.12056T>A variant is predicted to result in premature protein termination (p.Leu4019*). To our knowledge, this nucleotide change has not been reported in the literature or in a large population database (gnomAD), indicating this variant is rare. However, the same premature protein termination, caused by a different nucleotide change (c.12056T>G), has been reported in an individual with autosomal dominant polycystic kidney disease (ADPKD) (Stekrova et al. 2009. PubMed ID: 19686598). Nonsense variants in PKD1 are expected to be pathogenic. This variant is interpreted as pathogenic.